The following is an entry in ClinVar:

ClinVar aggregate classification (germline): Uncertain significance (1 of 4 stars; one submission).

Submission:

Women's Health and Genetics/Laboratory Corporation of America, LabCorp
Classification: Uncertain significance. Last evaluated: 2016-08-29. Review status: criteria provided, single submitter. Criteria: LabCorp Variant Classification Summary - May 2015. Collection method: clinical testing. Allele origin: germline.
Comment: Variant summary: The HADHA c.-17G>A variant involves the alteration of a highly conserved 5-UTR nucleotide. One in silico tool predicts a damaging outcome for this variant. This variant is absent in 25872 control chromosomes. The variant of interest has not, to our knowledge, been reported in affected individuals via publications and/or reputable databases/clinical diagnostic laboratories nor was it evaluated for functional impact by in vivo/vitro studies. Because of the absence of clinical information and the lack of functional studies, the variant is classified as a variant of uncertain significance (VUS) until additional information becomes available.

NM_000182.5(HADHA):c.-17G>A

Genes: HADHA (hydroxyacyl-CoA dehydrogenase trifunctional multienzyme complex subunit alpha; minus strand), HADHB (hydroxyacyl-CoA dehydrogenase trifunctional multienzyme complex subunit beta; plus strand). Cytogenetic location: 2p23.3.
Variant type: single nucleotide variant.
Coding change: c.-17G>A on transcript NM_000182.5 (MANE Select); 17 bases upstream of the start codon, G replaced by A.
Molecular consequence: 5 prime UTR variant.
Genome position (GRCh38, 1-based): chr2:26,244,613, C>T on the plus strand (G>A on the coding strand, the complement: HADHA is on the minus strand). VCF-style: chr2-26244613-C-T. GRCh37 (hg19) VCF-style: chr2-26467481-C-T.
Identifiers: ClinVar variation 495726 (VCV000495726.1), dbSNP rs1553316732, ClinGen allele CA658683178.